The following is an entry in ClinVar:

ClinVar aggregate classification (germline): Pathogenic (1 of 4 stars; one submission).

Submission:

Labcorp Genetics (formerly Invitae), Labcorp
Classification: Pathogenic. Last evaluated: 2020-03-05. Review status: criteria provided, single submitter. Criteria: Invitae Variant Classification Sherloc (09022015). Collection method: clinical testing. Allele origin: germline.
Comment: This sequence change creates a premature translational stop signal (p.Asp404Thrfs*4) in the PHEX gene. It is expected to result in an absent or disrupted protein product. This variant is not present in population databases (ExAC no frequency). This variant has not been reported in the literature in individuals with PHEX-related conditions. Loss-of-function variants in PHEX are known to be pathogenic (PMID: 9097956, 9106524, 19219621). For these reasons, this variant has been classified as Pathogenic.

Literature cited by the submitters: PubMed 9097956; PubMed 9106524; PubMed 19219621.

NM_000444.6(PHEX):c.1210del (p.Asp404fs)

Gene: PHEX (phosphate regulating endopeptidase X-linked; plus strand). Cytogenetic location: Xp22.11.
Variant type: Deletion.
Coding change: c.1210del on transcript NM_000444.6 (MANE Select); coding-DNA position 1210, one base deleted (G; older notation c.1210delG).
Protein change: p.Asp404fs; shifts the reading frame from aspartic acid 404.
Molecular consequence: frameshift variant.
Genome position (GRCh38, 1-based): chrX:22,114,494, G deleted; the last of 3 consecutive G bases (chrX:22,114,492-22,114,494); deleting any one gives the same sequence. VCF-style (leftmost placement, unchanged base first): chrX-22114491-TG-T. GRCh37 (hg19) VCF-style: chrX-22132609-TG-T.
Other names: c.1210del, p.Asp404fs (NM_001282754.2); short protein forms D404fs.
Identifiers: ClinVar variation 1071221 (VCV001071221.7), dbSNP rs2147065642, ClinGen allele CA2499226579.